The following is an entry in ClinVar:

ClinVar aggregate classification (germline): Uncertain significance (1 of 4 stars; one submission).

Conditions:
Granulomatous disease, chronic, X-linked. Also called: CYTOCHROME b-NEGATIVE GRANULOMATOUS DISEASE, CHRONIC, X-LINKED; GRANULOMATOUS DISEASE, CHRONIC, X-LINKED, SOMATIC MOSAIC. Identifiers: Orphanet 379, MedGen C1844376, MONDO:0010600, OMIM 306400.

Submission:

Labcorp Genetics (formerly Invitae), Labcorp
Classification: Uncertain significance for Granulomatous disease, chronic, X-linked. Last evaluated: 2020-01-28. Review status: criteria provided, single submitter. Criteria: Invitae Variant Classification Sherloc (09022015). Collection method: clinical testing. Allele origin: germline.
Comment: This sequence change replaces isoleucine with valine at codon 108 of the CYBB protein (p.Ile108Val). The isoleucine residue is highly conserved and there is a small physicochemical difference between isoleucine and valine. In summary, the available evidence is currently insufficient to determine the role of this variant in disease. Therefore, it has been classified as a Variant of Uncertain Significance. Algorithms developed to predict the effect of missense changes on protein structure and function (SIFT, PolyPhen-2, Align-GVGD) all suggest that this variant is likely to be disruptive, but these predictions have not been confirmed by published functional studies and their clinical significance is uncertain. This variant has not been reported in the literature in individuals with CYBB-related disease. This variant is not present in population databases (ExAC no frequency).

NM_000397.4(CYBB):c.322A>G (p.Ile108Val)

Gene: CYBB (cytochrome b-245 beta chain; plus strand). Cytogenetic location: Xp21.1.
Variant type: single nucleotide variant.
Coding change: c.322A>G on transcript NM_000397.4 (MANE Select); coding-DNA position 322, A replaced by G.
Protein change: p.Ile108Val; replaces isoleucine 108 with valine.
Molecular consequence: missense variant.
Genome position (GRCh38, 1-based): chrX:37,792,044, A>G. VCF-style: chrX-37792044-A-G. GRCh37 (hg19) VCF-style: chrX-37651297-A-G.
Other names: short protein forms I108V.
Identifiers: ClinVar variation 660983 (VCV000660983.9), dbSNP rs1602178410, ClinGen allele CA412974313.